The following is an entry in ClinVar:

NM_002691.4(POLD1):c.2036A>T (p.Asp679Val)

Gene: POLD1 (DNA polymerase delta 1, catalytic subunit; plus strand). Cytogenetic location: 19q13.33.
Variant type: single nucleotide variant.
Coding change: c.2036A>T on transcript NM_002691.4 (MANE Select); coding-DNA position 2036, A replaced by T.
Protein change: p.Asp679Val; replaces aspartic acid 679 with valine.
Molecular consequence: missense variant. On other transcripts: non-coding transcript variant (1).
Genome position (GRCh38, 1-based): chr19:50,409,548, A>T. VCF-style: chr19-50409548-A-T. GRCh37 (hg19) VCF-style: chr19-50912805-A-T.
Other names: c.2036A>T, p.Asp679Val (NM_001256849.1); c.2114A>T, p.Asp705Val (NM_001308632.1); short protein forms D679V, D705V.
Identifiers: ClinVar variation 2650330 (VCV002650330.24), dbSNP rs2514018717, ClinGen allele CA406982499.

ClinVar aggregate classification (germline): Uncertain significance (1 of 4 stars; one submission).

Submission:

CeGaT Center for Human Genetics Tuebingen
Classification: Uncertain significance. Last evaluated: 2023-01-01. Review status: criteria provided, single submitter. Criteria: CeGaT Center For Human Genetics Tuebingen Variant Classification Criteria Version 2. Collection method: clinical testing. Allele origin: germline. Affected: yes. Observed: 1 variant allele.
Comment: POLD1: PM2